The following is an entry in ClinVar:

ClinVar aggregate classification (germline): Pathogenic (1 of 4 stars; one submission).

Conditions:
Carnitine acylcarnitine translocase deficiency (CACTD). Identifiers: Orphanet 159, MedGen C0342791, MONDO:0008918, OMIM 212138.

Submission:

Labcorp Genetics (formerly Invitae), Labcorp
Classification: Pathogenic for Carnitine acylcarnitine translocase deficiency. Last evaluated: 2023-12-09. Review status: criteria provided, single submitter. Criteria: Invitae Variant Classification Sherloc (09022015). Collection method: clinical testing. Allele origin: unknown.
Comment: This variant is a gross deletion of the genomic region encompassing exon(s) 3 of the SLC25A20 gene. This deletion is out-of-frame, and is expected to create a premature termination codon and result in an absent or disrupted protein product. Loss-of-function variants in SLC25A20 are known to be pathogenic (PMID: 25614308). This variant has not been reported in the literature in individuals affected with SLC25A20-related conditions. For these reasons, this variant has been classified as Pathogenic.

Literature cited by the submitters: PubMed 25614308.

NC_000003.11:g.(?_48921410)_(48921577_?)del

Gene: SLC25A20 (solute carrier family 25 member 20; minus strand). Cytogenetic location: 3p21.31.
Variant type: Deletion.
Identifiers: ClinVar variation 3246861 (VCV003246861.1).